The following is an entry in ClinVar:

ClinVar aggregate classification (germline): Conflicting classifications of pathogenicity. Review status: criteria provided, conflicting classifications (1 of 4 stars). 5 submissions from 5 submitters: Uncertain significance (2); Likely benign (3). Last evaluated 2024-12-06.

Conditions:
Renal cysts and diabetes syndrome (RCAD). Also called: Familial hypoplastic, glomerulocystic kidney; MATURITY-ONSET DIABETES OF THE YOUNG, TYPE 5. Identifiers: Orphanet 93111, MedGen C0431693, MONDO:0007669, OMIM 137920.
Maturity-onset diabetes of the young (MODY). Also called: Maturity onset diabetes mellitus in young. Identifiers: Orphanet 552, MedGen C0342276, MONDO:0018911, HP:0004904.

Allele frequency attached by ClinVar (database versions not stated): ExAC below 0.00001; gnomAD exomes below 0.00001 and 0.00001; gnomAD 0.00001; TOPMed 0.00001.
gnomAD v4.1: 6 of 1,613,532 alleles (0.00037%); highest among the groups gnomAD compares: East Asian, 0.0022%; no homozygotes.

Submissions (5):

Women's Health and Genetics/Laboratory Corporation of America, LabCorp
Classification: Likely benign. Last evaluated: 2024-12-06. Review status: criteria provided, single submitter. Criteria: LabCorp Variant Classification Summary - May 2015. Collection method: clinical testing. Allele origin: germline.

Labcorp Genetics (formerly Invitae), Labcorp
Classification: Likely benign. Last evaluated: 2024-09-26. Review status: criteria provided, single submitter. Criteria: Invitae Variant Classification Sherloc (09022015). Collection method: clinical testing. Allele origin: germline.

Illumina Laboratory Services, Illumina
Classification: Uncertain significance for Renal cysts and diabetes syndrome. Last evaluated: 2018-01-13. Review status: criteria provided, single submitter. Criteria: ICSL Variant Classification Criteria 13 December 2019. Collection method: clinical testing. Allele origin: germline.

Eurofins Ntd Llc (ga)
Classification: Uncertain significance. Last evaluated: 2017-11-22. Review status: criteria provided, single submitter. Criteria: EGL Classification Definitions 2015. Collection method: clinical testing. Allele origin: germline. Observed: 1 variant allele, 1 heterozygote.

Clinical Genomics, Uppaluri K&H Personalized Medicine Clinic
Classification: Likely benign for Maturity-onset diabetes of the young. Review status: criteria provided, single submitter. Criteria: K & H Uppaluri Personalized Medicine Clinic Variant Classification & Assertion Criteria_Updated V.1. Collection method: research. Allele origin: unknown. Inheritance: Autosomal dominant inheritance.
Comment: HNF1B gene mutations are associated with early onset diabetes and pancreatic atrophy. It is also associated with multiple renal manifestations including renal cysts, Tubulointerstitial disease, glomerulocystic disease, renal hypoplasia, hypomagnesemia. However no sufficient evidence is found to ascertain the role of this particular variant rs778229703, yet.

Literature cited by the submitters: PubMed 24897035 (cited by Clinical Genomics, Uppaluri K&H Personalized Medicine Clinic); PubMed 25536396 (cited by Clinical Genomics, Uppaluri K&H Personalized Medicine Clinic); PubMed 27615128 (cited by Clinical Genomics, Uppaluri K&H Personalized Medicine Clinic); PubMed 28215227 (cited by Clinical Genomics, Uppaluri K&H Personalized Medicine Clinic); PubMed 33434175 (cited by Clinical Genomics, Uppaluri K&H Personalized Medicine Clinic); PubMed 25741167 (cited by Clinical Genomics, Uppaluri K&H Personalized Medicine Clinic); PubMed 26340261 (cited by Clinical Genomics, Uppaluri K&H Personalized Medicine Clinic); PubMed 19639018 (cited by Clinical Genomics, Uppaluri K&H Personalized Medicine Clinic).

NM_000458.4(HNF1B):c.96G>A (p.Glu32=)

Gene: HNF1B (HNF1 homeobox B; minus strand). Cytogenetic location: 17q12.
Variant type: single nucleotide variant.
Coding change: c.96G>A on transcript NM_000458.4 (MANE Select); coding-DNA position 96, G replaced by A.
Protein change: p.Glu32=; no amino-acid change (glutamic acid 32 retained).
Molecular consequence: synonymous variant.
Genome position (GRCh38, 1-based): chr17:37,744,789, C>T on the plus strand (G>A on the coding strand, the complement: HNF1B is on the minus strand). VCF-style: chr17-37744789-C-T. GRCh37 (hg19) VCF-style: chr17-36104780-C-T.
Other names: c.96G>A, p.Glu32= (NM_001165923.4, NM_001304286.2).
Identifiers: ClinVar variation 595138 (VCV000595138.13), dbSNP rs778229703, ClinGen allele CA8519158.
Genomic context (GRCh38, chr17:37,744,789, plus strand): 5'-GCTGCCAGGGGACAGGGGCAGCGTCTCCAGCTTCACCCCGAAGTTCGGGGATGGCAGCAA[C>T]TCCTCCAAGGCCTGAACCAGCACCTCCTTGGTGACCCCGGAGCTCAGCAGGGCGCTCAGG-3'
Protein context (NP_000449.1, residues 22-42): TKEVLVQALE[Glu32=]LLPSPNFGVK